The following is an entry in ClinVar:

NM_001378454.1(ALMS1):c.595G>T (p.Glu199Ter)

Gene: ALMS1 (ALMS1 centrosome and basal body associated protein; plus strand). Cytogenetic location: 2p13.1.
Variant type: single nucleotide variant.
Coding change: c.595G>T on transcript NM_001378454.1 (MANE Select); coding-DNA position 595, G replaced by T.
Protein change: p.Glu199Ter; replaces glutamic acid 199 with a stop codon.
Molecular consequence: nonsense.
Genome position (GRCh38, 1-based): chr2:73,419,267, G>T. VCF-style: chr2-73419267-G-T. GRCh37 (hg19) VCF-style: chr2-73646395-G-T.
Other names: c.598G>T, p.Glu200Ter (NM_015120.4); short protein forms E199*, E200*.
Identifiers: ClinVar variation 2843661 (VCV002843661.3), dbSNP rs2466036616, ClinGen allele CA347259250.

ClinVar aggregate classification (germline): Pathogenic (1 of 4 stars; one submission).

Conditions:
Alstrom syndrome (ALMS). Identifiers: Orphanet 64, MedGen C0268425, MONDO:0008763, OMIM 203800.

Allele frequency attached by ClinVar (database versions not stated): gnomAD exomes below 0.00001.
gnomAD v4.1: 1 of 1,614,046 alleles (0.000062%); highest among the groups gnomAD compares: African/African-American, 0.0013%; no homozygotes.

Submission:

Labcorp Genetics (formerly Invitae), Labcorp
Classification: Pathogenic for Alstrom syndrome. Last evaluated: 2023-03-15. Review status: criteria provided, single submitter. Criteria: Invitae Variant Classification Sherloc (09022015). Collection method: clinical testing. Allele origin: germline.
Comment: This variant has not been reported in the literature in individuals affected with ALMS1-related conditions. This variant is not present in population databases (gnomAD no frequency). This sequence change creates a premature translational stop signal (p.Glu200*) in the ALMS1 gene. It is expected to result in an absent or disrupted protein product. Loss-of-function variants in ALMS1 are known to be pathogenic (PMID: 17594715). For these reasons, this variant has been classified as Pathogenic.

Literature cited by the submitters: PubMed 17594715.